The following is an entry in ClinVar:

NM_176891.5(IFNE):c.435A>T (p.Lys145Asn)

Genes: IFNE (interferon epsilon; minus strand), MIR31HG (MIR31 host gene; minus strand). Cytogenetic location: 9p21.3.
Variant type: single nucleotide variant.
Coding change: c.435A>T on transcript NM_176891.5 (MANE Select); coding-DNA position 435, A replaced by T.
Protein change: p.Lys145Asn; replaces lysine 145 with asparagine.
Molecular consequence: missense variant.
Genome position (GRCh38, 1-based): chr9:21,481,260, T>A on the plus strand (A>T on the coding strand, the complement: IFNE is on the minus strand). VCF-style: chr9-21481260-T-A. GRCh37 (hg19) VCF-style: chr9-21481259-T-A.
Other names: short protein forms K145N.
Identifiers: ClinVar variation 3034076 (VCV003034076.2), dbSNP rs138418291, ClinGen allele CA5011491.
Genomic context (GRCh38, chr9:21,481,260, plus strand): 5'-CCAGGCACAGGTGCTGTAGTCCTGGTTTTCCAGGTAATCATGGATCCTTCGGAAGTACAT[T>A]TTAACTTGTAATCTAAGGTTATCACTACCCAAAGTACCACTTAGCTTCTCTGCTTCCAGT-3'
Protein context (NP_795372.1, residues 135-155): LGSDNLRLQV[Lys145Asn]MYFRRIHDYL

ClinVar aggregate classification (germline): Likely benign (0 of 4 stars; one submission).

Conditions:
IFNE-related disorder. Also called: IFNE-related condition.

Allele frequency attached by ClinVar (database versions not stated): ESP Exome Variant Server 0.00015; gnomAD 0.00023; gnomAD exomes 0.00039; 1000 Genomes Project 30x 0.00062; ExAC 0.00063; 1000 Genomes Project 0.00080.
gnomAD v4.1: 631 of 1,614,152 alleles (0.039%); highest among the groups gnomAD compares: South Asian, 0.28%; 2 homozygotes.

Submission:

PreventionGenetics, part of Exact Sciences
Classification: Likely benign for IFNE-related condition. Last evaluated: 2023-04-14. Review status: no assertion criteria provided. Collection method: clinical testing. Allele origin: germline.
Comment: This variant is classified as likely benign based on ACMG/AMP sequence variant interpretation guidelines (Richards et al. 2015 PMID: 25741868, with internal and published modifications).